The following is an entry in ClinVar:

NM_006231.4(POLE):c.6596T>C (p.Ile2199Thr)

Gene: POLE (DNA polymerase epsilon, catalytic subunit; minus strand). Cytogenetic location: 12q24.33.
Variant type: single nucleotide variant.
Coding change: c.6596T>C on transcript NM_006231.4 (MANE Select); coding-DNA position 6596, T replaced by C.
Protein change: p.Ile2199Thr; replaces isoleucine 2199 with threonine.
Molecular consequence: missense variant.
Genome position (GRCh38, 1-based): chr12:132,625,706, A>G on the plus strand (T>C on the coding strand, the complement: POLE is on the minus strand). VCF-style: chr12-132625706-A-G. GRCh37 (hg19) VCF-style: chr12-133202292-A-G.
Other names: short protein forms I2199T.
Identifiers: ClinVar variation 4862243 (VCV004862243.1).

ClinVar aggregate classification (germline): Uncertain significance (1 of 4 stars; one submission).

Conditions:
Hereditary cancer-predisposing syndrome. Also called: Neoplastic Syndromes, Hereditary; Tumor predisposition; Hereditary Cancer Syndrome; Hereditary neoplastic syndrome. Identifiers: Orphanet 140162, MedGen C0027672, MeSH D009386, MONDO:0015356.

Submission:

Ambry Genetics
Classification: Uncertain significance for Hereditary cancer-predisposing syndrome. Last evaluated: 2026-03-17. Review status: criteria provided, single submitter. Criteria: Ambry Variant Classification Scheme 2023. Collection method: clinical testing. Allele origin: germline.
Comment: The p.I2199T variant (also known as c.6596T>C), located in coding exon 47 of the POLE gene, results from a T to C substitution at nucleotide position 6596. The isoleucine at codon 2199 is replaced by threonine, an amino acid with similar properties. This amino acid position is conserved. In addition, the in silico prediction for this alteration is inconclusive. Based on the available evidence, the clinical significance of this variant remains unclear.